The following is an entry in ClinVar:

NM_001041.4(SI):c.3699T>C (p.Tyr1233=)

Gene: SI (sucrase-isomaltase; minus strand). Cytogenetic location: 3q26.1.
Variant type: single nucleotide variant.
Coding change: c.3699T>C on transcript NM_001041.4 (MANE Select); coding-DNA position 3699, T replaced by C.
Protein change: p.Tyr1233=; no amino-acid change (tyrosine 1233 retained).
Molecular consequence: synonymous variant.
Genome position (GRCh38, 1-based): chr3:165,017,608, A>G on the plus strand (T>C on the coding strand, the complement: SI is on the minus strand). VCF-style: chr3-165017608-A-G. GRCh37 (hg19) VCF-style: chr3-164735396-A-G.
Identifiers: ClinVar variation 1615597 (VCV001615597.31), dbSNP rs772719182, ClinGen allele CA2690167.

ClinVar aggregate classification (germline): Likely benign. Review status: criteria provided, multiple submitters, no conflicts (2 of 4 stars). 3 submissions from 3 submitters: Likely benign (3). Last evaluated 2025-12-03.

Allele frequency attached by ClinVar (database versions not stated): gnomAD exomes 0.00001 and 0.00003; ExAC 0.00002; gnomAD 0.00003 and 0.00004; TOPMed 0.00003.
gnomAD v4.1: 49 of 1,612,822 alleles (0.003%); highest among the groups gnomAD compares: Middle Eastern, 0.26%; no homozygotes.

Submissions (3):

Labcorp Genetics (formerly Invitae), Labcorp
Classification: Likely benign. Last evaluated: 2025-12-03. Review status: criteria provided, single submitter. Criteria: Invitae Variant Classification Sherloc (09022015). Collection method: clinical testing. Allele origin: germline.

CeGaT Center for Human Genetics Tuebingen
Classification: Likely benign. Last evaluated: 2023-12-01. Review status: criteria provided, single submitter. Criteria: CeGaT Center For Human Genetics Tuebingen Variant Classification Criteria Version 2. Collection method: clinical testing. Allele origin: germline. Affected: yes. Observed: 1 variant allele.
Comment: SI: BP4

Breakthrough Genomics
Classification: Likely benign. Review status: criteria provided, single submitter. Criteria: ACMG Guidelines, 2015. Collection method: not provided. Allele origin: germline. Inheritance: Autosomal recessive inheritance. Affected: yes.